The following is an entry in ClinVar:

NM_001146.5(ANGPT1):c.296A>G (p.Lys99Arg)

Gene: ANGPT1 (angiopoietin 1; minus strand). Cytogenetic location: 8q23.1.
Variant type: single nucleotide variant.
Coding change: c.296A>G on transcript NM_001146.5 (MANE Select); coding-DNA position 296, A replaced by G.
Protein change: p.Lys99Arg; replaces lysine 99 with arginine.
Molecular consequence: missense variant.
Genome position (GRCh38, 1-based): chr8:107,497,263, T>C on the plus strand (A>G on the coding strand, the complement: ANGPT1 is on the minus strand). VCF-style: chr8-107497263-T-C. GRCh37 (hg19) VCF-style: chr8-108509491-T-C.
Other names: c.296A>G, p.Lys99Arg (NM_001199859.3); short protein forms K99R.
Identifiers: ClinVar variation 1521124 (VCV001521124.6), dbSNP rs1813128303, ClinGen allele CA372035089.

ClinVar aggregate classification (germline): Uncertain significance (1 of 4 stars; one submission).

Allele frequency attached by ClinVar (database versions not stated): gnomAD 0.00001; gnomAD exomes 0.00001; TOPMed 0.00003.
gnomAD v4.1: 7 of 1,612,972 alleles (0.00043%); highest among the groups gnomAD compares: Admixed American, 0.0067%; no homozygotes.

Submission:

Labcorp Genetics (formerly Invitae), Labcorp
Classification: Uncertain significance. Last evaluated: 2021-11-02. Review status: criteria provided, single submitter. Criteria: Invitae Variant Classification Sherloc (09022015). Collection method: clinical testing. Allele origin: germline.
Comment: This sequence change replaces lysine, which is basic and polar, with arginine, which is basic and polar, at codon 99 of the ANGPT1 protein (p.Lys99Arg). This variant is not present in population databases (gnomAD no frequency). This variant has not been reported in the literature in individuals affected with ANGPT1-related conditions. Algorithms developed to predict the effect of missense changes on protein structure and function (SIFT, PolyPhen-2, Align-GVGD) all suggest that this variant is likely to be tolerated. In summary, the available evidence is currently insufficient to determine the role of this variant in disease. Therefore, it has been classified as a Variant of Uncertain Significance.